The following is an entry in ClinVar:

ClinVar aggregate classification (germline): Uncertain significance. Review status: criteria provided, multiple submitters, no conflicts (2 of 4 stars). 5 submissions from 5 submitters: Uncertain significance (5). Last evaluated 2026-04-28.

Conditions:
Epidermolysis bullosa simplex 5C, with pyloric atresia (EBS5C). Also called: PLEC-Related Epidermolysis Bullosa with Pyloric Atresia; Epidermolysis bullosa simplex with pyloric atresia; PLEC1-Related Epidermolysis Bullosa with Pyloric Atresia. Identifiers: Orphanet 158684, MedGen C2677349, MONDO:0012807, OMIM 612138.
Autosomal recessive limb-girdle muscular dystrophy type 2Q (LGMDR17). Also called: MUSCULAR DYSTROPHY, LIMB-GIRDLE, AUTOSOMAL RECESSIVE 17. Identifiers: Orphanet 254361, MedGen C3150989, MONDO:0013390, OMIM 613723.
Epidermolysis bullosa simplex with nail dystrophy (EBS5D). Identifiers: MedGen C4225309, MONDO:0014661, OMIM 616487.
Epidermolysis bullosa simplex 5B, with muscular dystrophy (EBS5B). Also called: EPIDERMOLYSIS BULLOSA SIMPLEX AND LIMB-GIRDLE MUSCULAR DYSTROPHY; Epidermolysis bullosa simplex with muscular dystrophy. Identifiers: Orphanet 257, MedGen C2931072, MONDO:0009181, OMIM 226670.
Epidermolysis bullosa simplex, Ogna type (EBS5A). Also called: Pidermolysis bullosa simplex 5A, Ogna type; EPIDERMOLYSIS BULLOSA SIMPLEX 5A, OGNA TYPE. Identifiers: Orphanet 79401, MedGen C0432317, MONDO:0007555, OMIM 131950.

Allele frequency attached by ClinVar (database versions not stated): ExAC 0.00012; gnomAD exomes 0.00012; 1000 Genomes Project 30x 0.00016; 1000 Genomes Project 0.00020; gnomAD 0.00028 and 0.00034; TOPMed 0.00035; ESP Exome Variant Server 0.00063.
gnomAD v4.1: 171 of 1,604,758 alleles (0.011%); highest among the groups gnomAD compares: African/African-American, 0.12%; no homozygotes.

Submissions (5):

Women's Health and Genetics/Laboratory Corporation of America, LabCorp
Classification: Uncertain significance. Last evaluated: 2026-04-28. Review status: criteria provided, single submitter. Criteria: LabCorp Variant Classification Summary - May 2015. Collection method: clinical testing. Allele origin: germline.
Comment: Variant summary: PLEC c.12758C>T (p.Thr4253Met) results in a non-conservative amino acid change in the encoded protein sequence. Algorithms developed to predict the effect of missense changes on protein structure and function are either unavailable or do not agree on the potential impact of this missense change. The variant allele was found at a frequency of 0.00012 in 248078 control chromosomes. This frequency is not significantly higher than estimated for disease-causing variants in PLEC, allowing no conclusion about variant significance. To our knowledge, no occurrence of c.12758C>T in individuals affected with PLEC-related conditions and no experimental evidence demonstrating its impact on protein function have been reported. ClinVar contains an entry for this variant (Variation ID: 478587). Based on the evidence outlined above, the variant was classified as uncertain significance.

Labcorp Genetics (formerly Invitae), Labcorp
Classification: Uncertain significance for Autosomal recessive limb-girdle muscular dystrophy type 2Q; Epidermolysis bullosa simplex, Ogna type; Epidermolysis bullosa simplex with nail dystrophy; Epidermolysis bullosa simplex 5C, with pyloric atresia; Epidermolysis bullosa simplex 5B, with muscular dystrophy. Last evaluated: 2025-12-08. Review status: criteria provided, single submitter. Criteria: Invitae Variant Classification Sherloc (09022015). Collection method: clinical testing. Allele origin: germline.
Comment: This sequence change replaces threonine, which is neutral and polar, with methionine, which is neutral and non-polar, at codon 4253 of the PLEC protein (p.Thr4253Met). This variant is present in population databases (rs188341564, gnomAD 0.1%). This variant has not been reported in the literature in individuals affected with PLEC-related conditions. ClinVar contains an entry for this variant (Variation ID: 478587). Invitae Evidence Modeling of protein sequence and biophysical properties (such as structural, functional, and spatial information, amino acid conservation, physicochemical variation, residue mobility, and thermodynamic stability) has been performed for this missense variant. However, the output from this modeling did not meet the statistical confidence thresholds required to predict the impact of this variant on PLEC protein function. In summary, the available evidence is currently insufficient to determine the role of this variant in disease. Therefore, it has been classified as a Variant of Uncertain Significance.

Revvity Omics, Revvity
Classification: Uncertain significance. Last evaluated: 2023-11-07. Review status: criteria provided, single submitter. Criteria: ACMG Guidelines, 2015. Collection method: clinical testing. Allele origin: germline.

Eurofins Ntd Llc (ga)
Classification: Uncertain significance. Last evaluated: 2017-04-25. Review status: criteria provided, single submitter. Criteria: EGL Classification Definitions 2015. Collection method: clinical testing. Allele origin: germline. Observed: 2 variant alleles, 2 heterozygotes.

Breakthrough Genomics
Classification: Uncertain significance. Review status: criteria provided, single submitter. Criteria: ACMG Guidelines, 2015. Collection method: not provided. Allele origin: germline. Inheritance: Autosomal recessive inheritance. Affected: yes.

NM_201384.3(PLEC):c.12677C>T (p.Thr4226Met)

Gene: PLEC (plectin; minus strand). Cytogenetic location: 8q24.3.
Variant type: single nucleotide variant.
Coding change: c.12677C>T on transcript NM_201384.3 (MANE Select); coding-DNA position 12677, C replaced by T.
Protein change: p.Thr4226Met; replaces threonine 4226 with methionine.
Molecular consequence: missense variant.
Genome position (GRCh38, 1-based): chr8:143,917,144, G>A on the plus strand (C>T on the coding strand, the complement: PLEC is on the minus strand). VCF-style: chr8-143917144-G-A. GRCh37 (hg19) VCF-style: chr8-144991312-G-A.
Other names: c.12758C>T (NM_000445.3); c.12758C>T, p.Thr4253Met (NM_000445.5); c.12635C>T, p.Thr4212Met (NM_201378.4); c.12611C>T, p.Thr4204Met (NM_201379.3); c.13088C>T, p.Thr4363Met (NM_201380.4); c.12581C>T, p.Thr4194Met (NM_201381.3); c.12677C>T, p.Thr4226Met (NM_201382.4); c.12689C>T, p.Thr4230Met (NM_201383.3); short protein forms T4194M, T4204M, T4230M, T4363M, T4212M, T4226M, T4253M.
Identifiers: ClinVar variation 478587 (VCV000478587.18), dbSNP rs188341564, ClinGen allele CA4924016.
Genomic context (GRCh38, chr8:143,917,144, plus strand): 5'-CGGGAGCGGAAACCACCGGCGTTGCCCGAGAGCATGTCGGCGAACTCGGTGATGGAGAGC[G>A]TGCCGGCGCGGTACTGGTCCAGTGCCGAGCGGTCGATGAGGTTCTTGGCGATGGCATCAT-3'
Protein context (NP_958786.1, residues 4216-4236): RSALDQYRAG[Thr4226Met]LSITEFADML